The following is an entry in ClinVar:

NM_018062.4(FANCL):c.394T>C (p.Cys132Arg)

Gene: FANCL (FA complementation group L; minus strand). Cytogenetic location: 2p16.1.
Variant type: single nucleotide variant.
Coding change: c.394T>C on transcript NM_018062.4 (MANE Select); coding-DNA position 394, T replaced by C.
Protein change: p.Cys132Arg; replaces cysteine 132 with arginine.
Molecular consequence: missense variant.
Genome position (GRCh38, 1-based): chr2:58,204,207, A>G on the plus strand (T>C on the coding strand, the complement: FANCL is on the minus strand). VCF-style: chr2-58204207-A-G. GRCh37 (hg19) VCF-style: chr2-58431342-A-G.
Other names: c.394T>C, p.Cys132Arg (NM_001114636.2, NM_001374615.1, NM_001410792.1); short protein forms C132R.
Identifiers: ClinVar variation 662333 (VCV000662333.9), dbSNP rs748298862, ClinGen allele CA1670638.

ClinVar aggregate classification (germline): Uncertain significance (1 of 4 stars; one submission).

Conditions:
Fanconi anemia (FA). Also called: Fanconi's anemia. Identifiers: Orphanet 84, MedGen C0015625, MeSH D005199, MONDO:0019391.

Allele frequency attached by ClinVar (database versions not stated): gnomAD 0.00001; TOPMed 0.00001; gnomAD exomes 0.00001; ExAC 0.00001.
gnomAD v4.1: 9 of 1,613,074 alleles (0.00056%); highest among the groups gnomAD compares: Non-Finnish European, 0.00076%; no homozygotes.

Submission:

Labcorp Genetics (formerly Invitae), Labcorp
Classification: Uncertain significance for Fanconi anemia. Last evaluated: 2023-11-28. Review status: criteria provided, single submitter. Criteria: Invitae Variant Classification Sherloc (09022015). Collection method: clinical testing. Allele origin: germline.
Comment: This sequence change replaces cysteine, which is neutral and slightly polar, with arginine, which is basic and polar, at codon 132 of the FANCL protein (p.Cys132Arg). This variant is present in population databases (rs748298862, gnomAD 0.003%). This variant has not been reported in the literature in individuals affected with FANCL-related conditions. ClinVar contains an entry for this variant (Variation ID: 662333). Advanced modeling of protein sequence and biophysical properties (such as structural, functional, and spatial information, amino acid conservation, physicochemical variation, residue mobility, and thermodynamic stability) performed at Invitae indicates that this missense variant is not expected to disrupt FANCL protein function with a negative predictive value of 80%. In summary, the available evidence is currently insufficient to determine the role of this variant in disease. Therefore, it has been classified as a Variant of Uncertain Significance.